The following is an entry in ClinVar:

NC_000020.11:g.44355627A>G

Gene: HNF4A (hepatocyte nuclear factor 4 alpha; plus strand). Cytogenetic location: 20q13.12.
Variant type: single nucleotide variant.
Genome position: GRCh38 VCF-style: chr20-44355627-A-G. GRCh37 (hg19) VCF-style: chr20-42984267-A-G.
Identifiers: ClinVar variation 4526412 (VCV004526412.1).

ClinVar aggregate classification (germline): Pathogenic (3 of 4 stars; one submission).

Conditions:
Monogenic diabetes. Identifiers: Orphanet 183625, MedGen C3888631, MONDO:0015967.

Submission:

ClinGen Monogenic Diabetes Variant Curation Expert Panel
Classification: Pathogenic for Monogenic diabetes. Last evaluated: 2025-10-13. Review status: reviewed by expert panel. Criteria: ClinGen Diabetes ACMG Specifications HNF4A V4.0.0. Collection method: curation. Allele origin: germline. Inheritance: Semidominant inheritance.
Comment: The c.-178A>G variant in the hepatocyte nuclear factor 4-alpha gene, HNF4A, is located within the promoter region of HNF1A/HNF1B binding sites, which is defined as critical for the protein’s function by the ClinGen MDEP (PM1). This variant is absent from gnomAD v2.1.1 and v4.1.0 (PM2_Supporting). This variant was identified in seven unrelated individuals with non- autoimmune and non-absolute/near-absolute insulin-deficient diabetes (PS4; PMID: 34789499, 39892506; internal lab contributors). Additionally, one of these individuals had a clinical history highly specific for HNF4A-monogenic diabetes (MODY probability calculator >50% and negative testing for HNF1A) (PP4; internal lab contributors). This variant segregated with diabetes with five informative meioses in three families (PP1_Strong; PMID: 39892506, internal lab contributor). In summary, c.-178A>G meets the criteria to be classified as pathogenic for monogenic diabetes. ACMG/AMP criteria applied, as specified by the ClinGen MDEP VCEP (specification version 4.0.0, approved 10/10/2025): PS4, PP1_Strong, PM1, PM2_Supporting, PP4.